The following is an entry in ClinVar:

NM_007194.4(CHEK2):c.472_473insGCCGGGCGCGGTGGCTCACGCCTGTAATCCCAGCACTTTGGGAGGCCGAGGCGGGCGGATCACGAGGTCAAGNNNNNNNNNNAAAAAAAAAAAAAAAAAAAAAAAAACTCTTACATTG (p.Ala158fs)

Gene: CHEK2 (checkpoint kinase 2; minus strand). Cytogenetic location: 22q12.1.
Variant type: Insertion.
Coding change: c.472_473insGCCGGGCGCGGTGGCTCACGCCTGTAATCCCAGCACTTTGGGAGGCCGAGGCGGGCGGATCACGAGGTCAAGNNNNNNNNNNAAAAAAAAAAAAAAAAAAAAAAAAACTCTTACATTG on transcript NM_007194.4 (MANE Select); coding-DNA positions 472 to 473, GCCGGGCGCGGTGGCTCACGCCTGTAATCCCAGCACTTTGGGAGGCCGAGGCGGGCGGATCACGAGGTCAAGNNNNNNNNNNAAAAAAAAAAAAAAAAAAAAAAAAACTCTTACATTG inserted.
Protein change: p.Ala158fs; shifts the reading frame from alanine 158.
Molecular consequence: frameshift variant. On other transcripts: 5 prime UTR variant (2), intron variant (1).
Genome position: GRCh38: chr22:28,725,112-28,725,113. GRCh37 (hg19): chr22:29,121,100-29,121,101.
Other names: c.601_602insGCCGGGCGCGGTGGCTCACGCCTGTAATCCCAGCACTTTGGGAGGCCGAGGCGGGCGGATCACGAGGTCAAGNNNNNNNNNNAAAAAAAAAAAAAAAAAAAAAAAAACTCTTACATTG, p.Ala201fs (NM_001005735.3, NM_001438294.1); c.-207_-192A[5]CT[2]TACATTGGCCGGGCGCGGTGGCTCACGCCTGTAATCCCAGCACTTTGGGAGGCCGAGGCGGGCGGATCACGAGGTCAAGNNNNNNNNNNAAAAAAAAAAAAAAAAAAAAAAAAACTCTTACATTG[1] (NM_001437942.1); c.565_566insGCCGGGCGCGGTGGCTCACGCCTGTAATCCCAGCACTTTGGGAGGCCGAGGCGGGCGGATCACGAGGTCAAGNNNNNNNNNNAAAAAAAAAAAAAAAAAAAAAAAAACTCTTACATTG, p.Ala189fs (NM_001438293.1, NM_001438295.1); c.-321_-306A[5]CT[2]TACATTGGCCGGGCGCGGTGGCTCACGCCTGTAATCCCAGCACTTTGGGAGGCCGAGGCGGGCGGATCACGAGGTCAAGNNNNNNNNNNAAAAAAAAAAAAAAAAAAAAAAAAACTCTTACATTG[1] (NM_001257387.3); c.472_473insGCCGGGCGCGGTGGCTCACGCCTGTAATCCCAGCACTTTGGGAGGCCGAGGCGGGCGGATCACGAGGTCAAGNNNNNNNNNNAAAAAAAAAAAAAAAAAAAAAAAAACTCTTACATTG, p.Ala158fs (NM_145862.3); c.444+146_444+147insAAAAACTCTTACATTGGCCGGGCGCGGTGGCTCACGCCTGTAATCCCAGCACTTTGGGAGGCCGAGGCGGGCGGATCACGAGGTCAAGNNNNNNNNNNAAAAAAAAAAAAAAAAAAAA (NM_001349956.3); short protein forms A189fs, A158fs, A201fs.
Identifiers: ClinVar variation 4725641 (VCV004725641.1).

ClinVar aggregate classification (germline): Pathogenic (1 of 4 stars; one submission).

Conditions:
Familial cancer of breast. Also called: Hereditary breast cancer; hereditary breast carcinoma; BREAST CANCER, FAMILIAL. Identifiers: Orphanet 227535, MedGen C0346153, MONDO:0016419, OMIM 114480. Disease mechanism: loss of function.

Submission:

Labcorp Genetics (formerly Invitae), Labcorp
Classification: Pathogenic for Familial cancer of breast. Last evaluated: 2025-08-18. Review status: criteria provided, single submitter. Criteria: Invitae Variant Classification Sherloc (09022015). Collection method: clinical testing. Allele origin: germline.
Comment: This sequence change inserts a large fragment of DNA, likely a transposable element, in exon 4 of the CHEK2 gene (c.472_473ins?), causing a frameshift at codon 158 (p.Ala158fs). The exact size and sequence of the insertion cannot be determined by the current assay. However, the insertion is expected to result in an absent or disrupted protein product. This variant is not present in population databases (gnomAD no frequency). This variant has not been reported in the literature in individuals affected with CHEK2-related conditions. Retrotransposon insertions including LINE1 (L1), Alu, and SVA (SINE-VNTR-Alu) have been reported to be disease-causing through disruption of either a coding region or splice site (PMID: 19763152, 20307669, 22406018) and loss-of-function variants in CHEK2 are known to be pathogenic (PMID: 21876083, 24713400). For these reasons, this variant has been classified as Pathogenic.

Literature cited by the submitters: PubMed 19763152; PubMed 20307669; PubMed 22406018; PubMed 21876083; PubMed 24713400.